The following is an entry in ClinVar:

NM_201384.3(PLEC):c.10801C>T (p.Arg3601Trp)

Gene: PLEC (plectin; minus strand). Cytogenetic location: 8q24.3.
Variant type: single nucleotide variant.
Coding change: c.10801C>T on transcript NM_201384.3 (MANE Select); coding-DNA position 10801, C replaced by T.
Protein change: p.Arg3601Trp; replaces arginine 3601 with tryptophan.
Molecular consequence: missense variant.
Genome position (GRCh38, 1-based): chr8:143,919,020, G>A on the plus strand (C>T on the coding strand, the complement: PLEC is on the minus strand). VCF-style: chr8-143919020-G-A. GRCh37 (hg19) VCF-style: chr8-144993188-G-A.
Other names: c.10882C>T, p.Arg3628Trp (NM_000445.5); c.10759C>T, p.Arg3587Trp (NM_201378.4); c.10735C>T, p.Arg3579Trp (NM_201379.3); c.11212C>T, p.Arg3738Trp (NM_201380.4); c.10705C>T, p.Arg3569Trp (NM_201381.3); c.10801C>T, p.Arg3601Trp (NM_201382.4); c.10813C>T, p.Arg3605Trp (NM_201383.3); short protein forms R3569W, R3579W, R3587W, R3601W, R3605W, R3628W, R3738W.
Identifiers: ClinVar variation 423959 (VCV000423959.12), dbSNP rs782412400, ClinGen allele CA4924529.

ClinVar aggregate classification (germline): Uncertain significance. Review status: criteria provided, multiple submitters, no conflicts (2 of 4 stars). 3 submissions from 3 submitters: Uncertain significance (3). Last evaluated 2025-06-19.

Conditions:
Epidermolysis bullosa simplex with nail dystrophy (EBS5D). Identifiers: MedGen C4225309, MONDO:0014661, OMIM 616487.
Autosomal recessive limb-girdle muscular dystrophy type 2Q (LGMDR17). Also called: MUSCULAR DYSTROPHY, LIMB-GIRDLE, AUTOSOMAL RECESSIVE 17. Identifiers: Orphanet 254361, MedGen C3150989, MONDO:0013390, OMIM 613723.
Epidermolysis bullosa simplex 5B, with muscular dystrophy (EBS5B). Also called: Epidermolysis bullosa simplex with muscular dystrophy; EPIDERMOLYSIS BULLOSA SIMPLEX AND LIMB-GIRDLE MUSCULAR DYSTROPHY. Identifiers: Orphanet 257, MedGen C2931072, MONDO:0009181, OMIM 226670.
Epidermolysis bullosa simplex, Ogna type (EBS5A). Also called: Pidermolysis bullosa simplex 5A, Ogna type; EPIDERMOLYSIS BULLOSA SIMPLEX 5A, OGNA TYPE. Identifiers: Orphanet 79401, MedGen C0432317, MONDO:0007555, OMIM 131950.
Epidermolysis bullosa simplex 5C, with pyloric atresia (EBS5C). Also called: Epidermolysis bullosa simplex with pyloric atresia; PLEC1-Related Epidermolysis Bullosa with Pyloric Atresia; PLEC-Related Epidermolysis Bullosa with Pyloric Atresia. Identifiers: Orphanet 158684, MedGen C2677349, MONDO:0012807, OMIM 612138.

Allele frequency attached by ClinVar (database versions not stated): gnomAD 0.00001; TOPMed 0.00001; gnomAD exomes 0.00002.
gnomAD v4.1: 21 of 1,611,040 alleles (0.0013%); highest among the groups gnomAD compares: Admixed American, 0.005%; no homozygotes.

Submissions (3):

Revvity Omics, Revvity
Classification: Uncertain significance. Last evaluated: 2025-06-19. Review status: criteria provided, single submitter. Criteria: ACMG Guidelines, 2015. Collection method: clinical testing. Allele origin: germline.

GeneDx
Classification: Uncertain significance. Last evaluated: 2024-09-03. Review status: criteria provided, single submitter. Criteria: GeneDx Variant Classification Process June 2021. Collection method: clinical testing. Allele origin: germline. Affected: yes.
Comment: Not observed at significant frequency in large population cohorts (gnomAD); In silico analysis supports that this missense variant has a deleterious effect on protein structure/function; Missense variant in a gene in which most reported pathogenic variants are truncating/loss of function; Has not been previously published as pathogenic or benign to our knowledge

Labcorp Genetics (formerly Invitae), Labcorp
Classification: Uncertain significance for Autosomal recessive limb-girdle muscular dystrophy type 2Q; Epidermolysis bullosa simplex, Ogna type; Epidermolysis bullosa simplex with nail dystrophy; Epidermolysis bullosa simplex 5C, with pyloric atresia; Epidermolysis bullosa simplex 5B, with muscular dystrophy. Last evaluated: 2024-01-02. Review status: criteria provided, single submitter. Criteria: Invitae Variant Classification Sherloc (09022015). Collection method: clinical testing. Allele origin: germline.
Comment: This sequence change replaces arginine, which is basic and polar, with tryptophan, which is neutral and slightly polar, at codon 3628 of the PLEC protein (p.Arg3628Trp). This variant is present in population databases (rs782412400, gnomAD 0.006%). This variant has not been reported in the literature in individuals affected with PLEC-related conditions. ClinVar contains an entry for this variant (Variation ID: 423959). An algorithm developed to predict the effect of missense changes on protein structure and function (PolyPhen-2) suggests that this variant is likely to be disruptive. In summary, the available evidence is currently insufficient to determine the role of this variant in disease. Therefore, it has been classified as a Variant of Uncertain Significance.